The following is an entry in ClinVar:

NM_004706.4(ARHGEF1):c.910G>T (p.Gly304Cys)

Gene: ARHGEF1 (Rho guanine nucleotide exchange factor 1; plus strand). Cytogenetic location: 19q13.2.
Variant type: single nucleotide variant.
Coding change: c.910G>T on transcript NM_004706.4 (MANE Select); coding-DNA position 910, G replaced by T.
Protein change: p.Gly304Cys; replaces glycine 304 with cysteine.
Molecular consequence: missense variant. On other transcripts: non-coding transcript variant (2).
Genome position (GRCh38, 1-based): chr19:41,895,381, G>T. VCF-style: chr19-41895381-G-T. GRCh37 (hg19) VCF-style: chr19-42399454-G-T.
Other names: c.910G>T, p.Gly304Cys (NM_001396000.1, NM_001396003.1, NM_001396006.1); c.811G>T, p.Gly271Cys (NM_001396002.1, NM_001396004.1, NM_198977.2); c.955G>T, p.Gly319Cys (NM_199002.2); short protein forms G271C, G304C, G319C.
Identifiers: ClinVar variation 3605898 (VCV003605898.3).

ClinVar aggregate classification (germline): Uncertain significance. Review status: criteria provided, multiple submitters, no conflicts (2 of 4 stars). 2 submissions from 2 submitters: Uncertain significance (2). Last evaluated 2024-09-16.

gnomAD v4.1: 2 of 1,612,430 alleles (0.00012%); highest among the groups gnomAD compares: Middle Eastern, 0.016%; no homozygotes.

Submissions (2):

Blueprint Genetics
Classification: Uncertain significance. Last evaluated: 2024-09-16. Review status: criteria provided, single submitter. Criteria: ACMG Guidelines, 2015. Collection method: clinical testing. Allele origin: germline.

Labcorp Genetics (formerly Invitae), Labcorp
Classification: Uncertain significance. Last evaluated: 2024-06-13. Review status: criteria provided, single submitter. Criteria: Invitae Variant Classification Sherloc (09022015). Collection method: clinical testing. Allele origin: germline.
Comment: This sequence change replaces glycine, which is neutral and non-polar, with cysteine, which is neutral and slightly polar, at codon 319 of the ARHGEF1 protein (p.Gly319Cys). This variant is not present in population databases (gnomAD no frequency). This variant has not been reported in the literature in individuals affected with ARHGEF1-related conditions. An algorithm developed to predict the effect of missense changes on protein structure and function (PolyPhen-2) suggests that this variant is likely to be disruptive. In summary, the available evidence is currently insufficient to determine the role of this variant in disease. Therefore, it has been classified as a Variant of Uncertain Significance.